The following is an entry in ClinVar:

ClinVar aggregate classification (germline): Pathogenic (1 of 4 stars; one submission).

Submission:

MVZ Dr. Eberhard & Partner Dortmund
Classification: Pathogenic. Last evaluated: 2022-01-13. Review status: criteria provided, single submitter. Criteria: ACMG Guidelines, 2015. Collection method: clinical testing. Allele origin: maternal, paternal. Affected: yes. Observed: 2 compound heterozygotes. Clinical features observed: Situs inversus totalis, Pneumonia. Segregation with disease observed.
Comment: This sequence change from C to T leads to a premature STOP codon at Gln3442. Due to this nonsense mutation and the possibility of nonsense mediated decay, a null variant with loss of function may be created. Variant databases show mutliple stop mutations further downstream of this variant. Furthermore, this variant is absent in controls from Exome Sequencing Project, 1000 Genomes Project and the Genome Aggregation Database.

NM_001369.3(DNAH5):c.10324C>T (p.Gln3442Ter)

Gene: DNAH5 (dynein axonemal heavy chain 5; minus strand). Cytogenetic location: 5p15.2.
Variant type: single nucleotide variant.
Coding change: c.10324C>T on transcript NM_001369.3 (MANE Select); coding-DNA position 10324, C replaced by T.
Protein change: p.Gln3442Ter; replaces glutamine 3442 with a stop codon.
Molecular consequence: nonsense.
Genome position (GRCh38, 1-based): chr5:13,758,941, G>A on the plus strand (C>T on the coding strand, the complement: DNAH5 is on the minus strand). VCF-style: chr5-13758941-G-A. GRCh37 (hg19) VCF-style: chr5-13759050-G-A.
Other names: short protein forms Q3442*.
Identifiers: ClinVar variation 1676811 (VCV001676811.4), dbSNP rs2126728109, ClinGen allele CA359195811.
Genomic context (GRCh38, chr5:13,758,941, plus strand): 5'-GCACCACGTCAAGTTCCGCCTGCTTGTCATCCAACTCGGCCTGGGCTTTCTGCAGATCCT[G>A]CATGGCCAGGAGATGGCGATTCTCTTGCACCACCAAGTTGGCCTGCACAGGACACACACA-3'